The following is an entry in ClinVar:

ClinVar aggregate classification (germline): Uncertain significance (1 of 4 stars; one submission).

gnomAD v4.1: 2 of 1,613,738 alleles (0.00012%); highest among the groups gnomAD compares: African/African-American, 0.0013%; no homozygotes.

Submission:

Labcorp Genetics (formerly Invitae), Labcorp
Classification: Uncertain significance. Last evaluated: 2024-06-03. Review status: criteria provided, single submitter. Criteria: Invitae Variant Classification Sherloc (09022015). Collection method: clinical testing. Allele origin: germline.
Comment: This sequence change replaces proline, which is neutral and non-polar, with serine, which is neutral and polar, at codon 471 of the PRPF3 protein (p.Pro471Ser). This variant is not present in population databases (gnomAD no frequency). This variant has not been reported in the literature in individuals affected with PRPF3-related conditions. Advanced modeling of protein sequence and biophysical properties (such as structural, functional, and spatial information, amino acid conservation, physicochemical variation, residue mobility, and thermodynamic stability) performed at Invitae indicates that this missense variant is expected to disrupt PRPF3 protein function with a positive predictive value of 80%. In summary, the available evidence is currently insufficient to determine the role of this variant in disease. Therefore, it has been classified as a Variant of Uncertain Significance.

NM_004698.4(PRPF3):c.1411C>T (p.Pro471Ser)

Gene: PRPF3 (pre-mRNA processing factor 3; plus strand). Cytogenetic location: 1q21.2.
Variant type: single nucleotide variant.
Coding change: c.1411C>T on transcript NM_004698.4 (MANE Select); coding-DNA position 1411, C replaced by T.
Protein change: p.Pro471Ser; replaces proline 471 with serine.
Molecular consequence: missense variant. On other transcripts: non-coding transcript variant (4).
Genome position (GRCh38, 1-based): chr1:150,343,437, C>T. VCF-style: chr1-150343437-C-T. GRCh37 (hg19) VCF-style: chr1-150315913-C-T.
Other names: c.1006C>T, p.Pro336Ser (NM_001350529.1); short protein forms P336S, P471S.
Identifiers: ClinVar variation 3655385 (VCV003655385.2).
Genomic context (GRCh38, chr1:150,343,437, plus strand): 5'-CAAACAAGGAGGGAAGCACAGAAGGAACTACAAGAAAAAGTCAGGCTGGGCCTGATGCCT[C>T]CTCCAGAACCCAAAGGTGCATTTCTCAGTGGCCTCTTCTGTTAAAAAGAGTGGCAAGTTT-3'
Protein context (NP_004689.1, residues 461-481): QEKVRLGLMP[Pro471Ser]PEPKVRISNL